The following is an entry in ClinVar:

ClinVar aggregate classification (germline): Uncertain significance (1 of 4 stars; one submission).

Submission:

Labcorp Genetics (formerly Invitae), Labcorp
Classification: Uncertain significance. Last evaluated: 2025-12-03. Review status: criteria provided, single submitter. Criteria: Invitae Variant Classification Sherloc (09022015). Collection method: clinical testing. Allele origin: germline.
Comment: This sequence change replaces glutamic acid, which is acidic and polar, with alanine, which is neutral and non-polar, at codon 2036 of the POLE protein (p.Glu2036Ala). This variant is not present in population databases (gnomAD no frequency). This variant has not been reported in the literature in individuals affected with POLE-related conditions. Invitae Evidence Modeling of protein sequence and biophysical properties (such as structural, functional, and spatial information, amino acid conservation, physicochemical variation, residue mobility, and thermodynamic stability) indicates that this missense variant is not expected to disrupt POLE protein function with a negative predictive value of 80%. In summary, the available evidence is currently insufficient to determine the role of this variant in disease. Therefore, it has been classified as a Variant of Uncertain Significance.

NM_006231.4(POLE):c.6107A>C (p.Glu2036Ala)

Gene: POLE (DNA polymerase epsilon, catalytic subunit; minus strand). Cytogenetic location: 12q24.33.
Variant type: single nucleotide variant.
Coding change: c.6107A>C on transcript NM_006231.4 (MANE Select); coding-DNA position 6107, A replaced by C.
Protein change: p.Glu2036Ala; replaces glutamic acid 2036 with alanine.
Molecular consequence: missense variant.
Genome position (GRCh38, 1-based): chr12:132,632,693, T>G on the plus strand (A>C on the coding strand, the complement: POLE is on the minus strand). VCF-style: chr12-132632693-T-G. GRCh37 (hg19) VCF-style: chr12-133209279-T-G.
Other names: short protein forms E2036A.
Identifiers: ClinVar variation 4805363 (VCV004805363.1).